The following is an entry in ClinVar:

ClinVar aggregate classification (germline): Uncertain significance. Review status: criteria provided, multiple submitters, no conflicts (2 of 4 stars). 3 submissions from 3 submitters: Uncertain significance (3). Last evaluated 2024-09-26.

Conditions:
Inborn genetic diseases. Identifiers: MedGen C0950123, MeSH D030342.

gnomAD v4.1: 4 of 1,613,528 alleles (0.00025%); highest among the groups gnomAD compares: Admixed American, 0.0033%; no homozygotes.

Submissions (3):

Ambry Genetics
Classification: Uncertain significance for Inborn genetic diseases. Last evaluated: 2024-09-26. Review status: criteria provided, single submitter. Criteria: Ambry Variant Classification Scheme 2023. Collection method: clinical testing. Allele origin: germline.

Blueprint Genetics
Classification: Uncertain significance. Last evaluated: 2022-06-07. Review status: criteria provided, single submitter. Criteria: ACMG Guidelines, 2015. Collection method: clinical testing. Allele origin: germline.

Labcorp Genetics (formerly Invitae), Labcorp
Classification: Uncertain significance. Last evaluated: 2021-06-06. Review status: criteria provided, single submitter. Criteria: Invitae Variant Classification Sherloc (09022015). Collection method: clinical testing. Allele origin: germline.
Comment: In summary, the available evidence is currently insufficient to determine the role of this variant in disease. Therefore, it has been classified as a Variant of Uncertain Significance. Algorithms developed to predict the effect of missense changes on protein structure and function are either unavailable or do not agree on the potential impact of this missense change (SIFT: "Deleterious"; PolyPhen-2: "Possibly Damaging"; Align-GVGD: "Class C0"). This variant has not been reported in the literature in individuals with C2CD3-related conditions. This variant is present in population databases (rs767204368, ExAC 0.01%). This sequence change replaces arginine with isoleucine at codon 1122 of the C2CD3 protein (p.Arg1122Ile). The arginine residue is highly conserved and there is a moderate physicochemical difference between arginine and isoleucine.

NM_001286577.2(C2CD3):c.3365G>T (p.Arg1122Ile)

Gene: C2CD3 (C2 domain containing 3 centriole elongation regulator; minus strand). Cytogenetic location: 11q13.4.
Variant type: single nucleotide variant.
Coding change: c.3365G>T on transcript NM_001286577.2 (MANE Select); coding-DNA position 3365, G replaced by T.
Protein change: p.Arg1122Ile; replaces arginine 1122 with isoleucine.
Molecular consequence: missense variant.
Genome position (GRCh38, 1-based): chr11:74,092,568, C>A on the plus strand (G>T on the coding strand, the complement: C2CD3 is on the minus strand). VCF-style: chr11-74092568-C-A. GRCh37 (hg19) VCF-style: chr11-73803613-C-A.
Other names: c.3365G>T, p.Arg1122Ile (NM_015531.6); c.3365G>T (NM_015531.4); short protein forms R1122I.
Identifiers: ClinVar variation 1421605 (VCV001421605.8), dbSNP rs767204368, ClinGen allele CA6182410.